The following is an entry in ClinVar:

NM_001037333.3(CYFIP2):c.1440C>T (p.Tyr480=)

Gene: CYFIP2 (cytoplasmic FMR1 interacting protein 2; plus strand). Cytogenetic location: 5q33.3.
Variant type: single nucleotide variant.
Coding change: c.1440C>T on transcript NM_001037333.3 (MANE Select); coding-DNA position 1440, C replaced by T.
Protein change: p.Tyr480=; no amino-acid change (tyrosine 480 retained).
Molecular consequence: synonymous variant.
Genome position (GRCh38, 1-based): chr5:157,319,845, C>T. VCF-style: chr5-157319845-C-T. GRCh37 (hg19) VCF-style: chr5-156746853-C-T.
Other names: c.1362C>T, p.Tyr454= (NM_001291721.2); c.1440C>T, p.Tyr480= (NM_001291722.2, NM_014376.4).
Identifiers: ClinVar variation 1539427 (VCV001539427.22), dbSNP rs1581050916, ClinGen allele CA447433311.

ClinVar aggregate classification (germline): Likely benign. Review status: criteria provided, multiple submitters, no conflicts (2 of 4 stars). 2 submissions from 2 submitters: Likely benign (2). Last evaluated 2024-11-21.

Allele frequency attached by ClinVar (database versions not stated): gnomAD exomes 0.00001; TOPMed 0.00001.
gnomAD v4.1: 10 of 1,614,098 alleles (0.00062%); highest among the groups gnomAD compares: African/African-American, 0.0013%; no homozygotes.

Submissions (2):

Labcorp Genetics (formerly Invitae), Labcorp
Classification: Likely benign. Last evaluated: 2024-11-21. Review status: criteria provided, single submitter. Criteria: Invitae Variant Classification Sherloc (09022015). Collection method: clinical testing. Allele origin: germline.

CeGaT Center for Human Genetics Tuebingen
Classification: Likely benign. Last evaluated: 2024-09-01. Review status: criteria provided, single submitter. Criteria: CeGaT Center For Human Genetics Tuebingen Variant Classification Criteria Version 2. Collection method: clinical testing. Allele origin: germline. Affected: yes. Observed: 1 variant allele.
Comment: CYFIP2: BP4, BP7